The following is an entry in ClinVar:

ClinVar aggregate classification (germline): Uncertain significance (1 of 4 stars; one submission).

Allele frequency attached by ClinVar (database versions not stated): gnomAD 0.00001; gnomAD exomes 0.00001; TOPMed 0.00002.
gnomAD v4.1: 15 of 1,612,126 alleles (0.00093%); highest among the groups gnomAD compares: Middle Eastern, 0.017%; no homozygotes.

Submission:

Labcorp Genetics (formerly Invitae), Labcorp
Classification: Uncertain significance. Last evaluated: 2022-06-28. Review status: criteria provided, single submitter. Criteria: Invitae Variant Classification Sherloc (09022015). Collection method: clinical testing. Allele origin: germline.
Comment: This sequence change replaces arginine, which is basic and polar, with glutamine, which is neutral and polar, at codon 2947 of the DNAH9 protein (p.Arg2947Gln). This variant is present in population databases (no rsID available, gnomAD 0.002%). This variant has not been reported in the literature in individuals affected with DNAH9-related conditions. Algorithms developed to predict the effect of missense changes on protein structure and function output the following: SIFT: "Deleterious"; PolyPhen-2: "Benign"; Align-GVGD: "Class C0". The glutamine amino acid residue is found in multiple mammalian species, which suggests that this missense change does not adversely affect protein function. In summary, the available evidence is currently insufficient to determine the role of this variant in disease. Therefore, it has been classified as a Variant of Uncertain Significance.

NM_001372.4(DNAH9):c.8840G>A (p.Arg2947Gln)

Gene: DNAH9 (dynein axonemal heavy chain 9; plus strand). Cytogenetic location: 17p12.
Variant type: single nucleotide variant.
Coding change: c.8840G>A on transcript NM_001372.4 (MANE Select); coding-DNA position 8840, G replaced by A.
Protein change: p.Arg2947Gln; replaces arginine 2947 with glutamine.
Molecular consequence: missense variant.
Genome position (GRCh38, 1-based): chr17:11,822,052, G>A. VCF-style: chr17-11822052-G-A. GRCh37 (hg19) VCF-style: chr17-11725369-G-A.
Other names: short protein forms R2947Q.
Identifiers: ClinVar variation 1371002 (VCV001371002.6), dbSNP rs1208924565, ClinGen allele CA398199525.